The following is an entry in ClinVar:

NM_152327.5(AK7):c.659C>T (p.Ala220Val)

Gene: AK7 (adenylate kinase 7; plus strand). Cytogenetic location: 14q32.2.
Variant type: single nucleotide variant.
Coding change: c.659C>T on transcript NM_152327.5 (MANE Select); coding-DNA position 659, C replaced by T.
Protein change: p.Ala220Val; replaces alanine 220 with valine.
Molecular consequence: missense variant.
Genome position (GRCh38, 1-based): chr14:96,437,884, C>T. VCF-style: chr14-96437884-C-T. GRCh37 (hg19) VCF-style: chr14-96904221-C-T.
Other names: c.659C>T, p.Ala220Val (NM_001350888.2, NM_001350890.2, NM_001350891.2 and 1 more transcripts); c.659C>T (NM_152327.3); short protein forms A220V.
Identifiers: ClinVar variation 1665273 (VCV001665273.9), dbSNP rs139741113, ClinGen allele CA7337562.

ClinVar aggregate classification (germline): Likely benign. Review status: criteria provided, multiple submitters, no conflicts (2 of 4 stars). 2 submissions from 2 submitters: Likely benign (2). Last evaluated 2026-01-06.

Conditions:
AK7-related disorder. Also called: AK7-related condition.

Allele frequency attached by ClinVar (database versions not stated): gnomAD 0.00029 and 0.00032; ESP Exome Variant Server 0.00031; TOPMed 0.00039; 1000 Genomes Project 30x 0.00047; gnomAD exomes 0.00051 and 0.00067; 1000 Genomes Project 0.00060; ExAC 0.00069.
gnomAD v4.1: 793 of 1,613,310 alleles (0.049%); highest among the groups gnomAD compares: South Asian, 0.16%; 2 homozygotes.

Submissions (2):

Labcorp Genetics (formerly Invitae), Labcorp
Classification: Likely benign. Last evaluated: 2026-01-06. Review status: criteria provided, single submitter. Criteria: Invitae Variant Classification Sherloc (09022015). Collection method: clinical testing. Allele origin: germline.

PreventionGenetics, part of Exact Sciences
Classification: Likely benign for AK7-related condition. Last evaluated: 2025-05-28. Review status: criteria provided, single submitter. Criteria: ACMG Guidelines, 2015. Collection method: clinical testing. Allele origin: germline.
Comment: This variant is classified as likely benign based on ACMG/AMP sequence variant interpretation guidelines (Richards et al. 2015 PMID: 25741868, with internal and published modifications).